The following is an entry in ClinVar:

ClinVar aggregate classification (germline): Uncertain significance. Review status: criteria provided, multiple submitters, no conflicts (2 of 4 stars). 2 submissions from 2 submitters: Uncertain significance (2). Last evaluated 2025-03-10.

Conditions:
Tuberous sclerosis 1 (TSC1). Identifiers: Orphanet 805, MedGen C1854465, MONDO:0008612, OMIM 191100.

gnomAD v4.1: 1 of 1,613,832 alleles (0.000062%); highest among the groups gnomAD compares: South Asian, 0.0011%; no homozygotes.

Submissions (2):

GeneDx
Classification: Uncertain significance. Last evaluated: 2025-03-10. Review status: criteria provided, single submitter. Criteria: GeneDx Variant Classification Process June 2021. Collection method: clinical testing. Allele origin: germline. Affected: yes.
Comment: Not observed at significant frequency in large population cohorts (gnomAD); In silico analysis indicates that this missense variant does not alter protein structure/function; Has not been previously published as pathogenic or benign to our knowledge

Labcorp Genetics (formerly Invitae), Labcorp
Classification: Uncertain significance for Tuberous sclerosis 1. Last evaluated: 2025-01-23. Review status: criteria provided, single submitter. Criteria: Invitae Variant Classification Sherloc (09022015). Collection method: clinical testing. Allele origin: germline.
Comment: This sequence change replaces proline, which is neutral and non-polar, with serine, which is neutral and polar, at codon 548 of the TSC1 protein (p.Pro548Ser). This variant is not present in population databases (gnomAD no frequency). This variant has not been reported in the literature in individuals affected with TSC1-related conditions. Invitae Evidence Modeling of protein sequence and biophysical properties (such as structural, functional, and spatial information, amino acid conservation, physicochemical variation, residue mobility, and thermodynamic stability) indicates that this missense variant is not expected to disrupt TSC1 protein function with a negative predictive value of 95%. In summary, the available evidence is currently insufficient to determine the role of this variant in disease. Therefore, it has been classified as a Variant of Uncertain Significance.

NM_000368.5(TSC1):c.1642C>T (p.Pro548Ser)

Gene: TSC1 (TSC complex subunit 1; minus strand). Cytogenetic location: 9q34.13.
Variant type: single nucleotide variant.
Coding change: c.1642C>T on transcript NM_000368.5 (MANE Select); coding-DNA position 1642, C replaced by T.
Protein change: p.Pro548Ser; replaces proline 548 with serine.
Molecular consequence: missense variant. On other transcripts: non-coding transcript variant (5).
Genome position (GRCh38, 1-based): chr9:132,905,936, G>A on the plus strand (C>T on the coding strand, the complement: TSC1 is on the minus strand). VCF-style: chr9-132905936-G-A. GRCh37 (hg19) VCF-style: chr9-135781323-G-A.
Other names: c.1639C>T, p.Pro547Ser (NM_001406603.1, NM_001406604.1, NM_001406600.1 and 6 more transcripts); c.1642C>T, p.Pro548Ser (NM_001406605.1, NM_001406601.1, NM_001406602.1 and 7 more transcripts); c.1489C>T, p.Pro497Ser (NM_001162427.2, NM_001406610.1); c.1279C>T, p.Pro427Ser (NM_001362177.2, NM_001406619.1, NM_001406624.1 and 5 more transcripts); c.1276C>T, p.Pro426Ser (NM_001406620.1, NM_001406621.1, NM_001406622.1 and 2 more transcripts); c.691C>T, p.Pro231Ser (NM_001406626.1); c.688C>T, p.Pro230Ser (NM_001406627.1, NM_001406628.1); c.1486C>T, p.Pro496Ser (NM_001406611.1, NM_001406612.1, NM_001406613.1); and 1 more; short protein forms P497S, P230S, P231S, P426S, P496S, P197S, P427S, P547S.
Identifiers: ClinVar variation 3720853 (VCV003720853.3).